The following is an entry in ClinVar:

ClinVar aggregate classification (germline): Uncertain significance (1 of 4 stars; one submission).

Conditions:
Immunodeficiency. Identifiers: MedGen C0021051, MONDO:0021094, HP:0002721.

gnomAD v4.1: 4 of 1,614,118 alleles (0.00025%); highest among the groups gnomAD compares: Non-Finnish European, 0.00034%; no homozygotes.

Submission:

Labcorp Genetics (formerly Invitae), Labcorp
Classification: Uncertain significance for Immunodeficiency. Last evaluated: 2025-06-15. Review status: criteria provided, single submitter. Criteria: Invitae Variant Classification Sherloc (09022015). Collection method: clinical testing. Allele origin: germline.
Comment: This sequence change replaces proline, which is neutral and non-polar, with alanine, which is neutral and non-polar, at codon 1209 of the NFAT5 protein (p.Pro1209Ala). This variant is present in population databases (rs753032589, gnomAD 0.002%). This missense change has been observed in individual(s) with 33559909 (PMID: 33559909). This variant is also known as c.3907C>G(p.Pro1303Ala). An algorithm developed to predict the effect of missense changes on protein structure and function (PolyPhen-2) suggests that this variant is likely to be disruptive. In summary, the available evidence is currently insufficient to determine the role of this variant in disease. Therefore, it has been classified as a Variant of Uncertain Significance.

Literature cited by the submitters: PubMed 33559909.

NM_138713.4(NFAT5):c.3907C>G (p.Pro1303Ala)

Gene: NFAT5 (nuclear factor of activated T cells 5; plus strand). Cytogenetic location: 16q22.1.
Variant type: single nucleotide variant.
Coding change: c.3907C>G on transcript NM_138713.4 (MANE Select); coding-DNA position 3907, C replaced by G.
Protein change: p.Pro1303Ala; replaces proline 1303 with alanine.
Molecular consequence: missense variant.
Genome position (GRCh38, 1-based): chr16:69,693,732, C>G. VCF-style: chr16-69693732-C-G. GRCh37 (hg19) VCF-style: chr16-69727635-C-G.
Other names: c.3904C>G, p.Pro1302Ala (NM_001113178.3); c.3232C>G, p.Pro1078Ala (NM_001367709.1); c.3853C>G, p.Pro1285Ala (NM_006599.4); c.3625C>G, p.Pro1209Ala (NM_138714.4, NM_173214.3, NM_173215.3); short protein forms P1078A, P1209A, P1285A, P1302A, P1303A.
Identifiers: ClinVar variation 4797029 (VCV004797029.1).